The following is an entry in ClinVar:

NM_007126.5(VCP):c.811G>C (p.Gly271Arg)

Gene: VCP (valosin containing protein; minus strand). Cytogenetic location: 9p13.3.
Variant type: single nucleotide variant.
Coding change: c.811G>C on transcript NM_007126.5 (MANE Select); coding-DNA position 811, G replaced by C.
Protein change: p.Gly271Arg; replaces glycine 271 with arginine.
Molecular consequence: missense variant.
Genome position (GRCh38, 1-based): chr9:35,062,978, C>G on the plus strand (G>C on the coding strand, the complement: VCP is on the minus strand). VCF-style: chr9-35062978-C-G. GRCh37 (hg19) VCF-style: chr9-35062975-C-G.
Other names: c.676G>C, p.Gly226Arg (NM_001354927.2, NM_001354928.2); short protein forms G226R, G271R.
Identifiers: ClinVar variation 1305868 (VCV001305868.3), dbSNP rs2131033531, ClinGen allele CA373286306.

ClinVar aggregate classification (germline): Uncertain significance (1 of 4 stars; one submission).

Submission:

GeneDx
Classification: Uncertain significance. Last evaluated: 2022-10-05. Review status: criteria provided, single submitter. Criteria: GeneDx Variant Classification Process June 2021. Collection method: clinical testing. Allele origin: germline. Affected: yes.
Comment: Has not been previously published as pathogenic or benign to our knowledge; In silico analysis, which includes protein predictors and evolutionary conservation, supports a deleterious effect; Not observed at significant frequency in large population cohorts (gnomAD)